The following is an entry in ClinVar:

ClinVar aggregate classification (germline): Uncertain significance (1 of 4 stars; one submission).

Allele frequency attached by ClinVar (database versions not stated): ExAC 0.00002; gnomAD exomes 0.00003; gnomAD 0.00004; ESP Exome Variant Server 0.00008.
gnomAD v4.1: 37 of 1,613,940 alleles (0.0023%); highest among the groups gnomAD compares: Middle Eastern, 0.016%; no homozygotes.

Submission:

Labcorp Genetics (formerly Invitae), Labcorp
Classification: Uncertain significance. Last evaluated: 2023-08-10. Review status: criteria provided, single submitter. Criteria: Invitae Variant Classification Sherloc (09022015). Collection method: clinical testing. Allele origin: germline.
Comment: In summary, the available evidence is currently insufficient to determine the role of this variant in disease. Therefore, it has been classified as a Variant of Uncertain Significance. Advanced modeling of protein sequence and biophysical properties (such as structural, functional, and spatial information, amino acid conservation, physicochemical variation, residue mobility, and thermodynamic stability) performed at Invitae indicates that this missense variant is not expected to disrupt ACE protein function. ClinVar contains an entry for this variant (Variation ID: 1425693). This variant has not been reported in the literature in individuals affected with ACE-related conditions. This variant is present in population databases (rs372626836, gnomAD 0.02%). This sequence change replaces alanine, which is neutral and non-polar, with valine, which is neutral and non-polar, at codon 425 of the ACE protein (p.Ala425Val).

NM_000789.4(ACE):c.1274C>T (p.Ala425Val)

Gene: ACE (angiotensin I converting enzyme; plus strand). Cytogenetic location: 17q23.3.
Variant type: single nucleotide variant.
Coding change: c.1274C>T on transcript NM_000789.4 (MANE Select); coding-DNA position 1274, C replaced by T.
Protein change: p.Ala425Val; replaces alanine 425 with valine.
Molecular consequence: missense variant.
Genome position (GRCh38, 1-based): chr17:63,482,621, C>T. VCF-style: chr17-63482621-C-T. GRCh37 (hg19) VCF-style: chr17-61559982-C-T.
Other names: c.707C>T, p.Ala236Val (NM_001382700.1); c.422C>T, p.Ala141Val (NM_001382701.1); short protein forms A141V, A236V, A425V.
Identifiers: ClinVar variation 1425693 (VCV001425693.8), dbSNP rs372626836, ClinGen allele CA8699457.